The following is an entry in ClinVar:

ClinVar aggregate classification (germline): Uncertain significance (1 of 4 stars; one submission).

Conditions:
Cardiomyopathy (CMYO). Also called: Cardiomyopathies. Identifiers: Orphanet 167848, MedGen C0878544, MONDO:0004994, HP:0001638. Inheritance: Various modes of inheritance.

gnomAD v4.1: 1 of 1,614,084 alleles (0.000062%); highest among the groups gnomAD compares: African/African-American, 0.0013%; no homozygotes.

Submission:

Color Diagnostics, LLC DBA Color Health
Classification: Uncertain significance for Cardiomyopathy. Last evaluated: 2024-04-29. Review status: criteria provided, single submitter. Criteria: ACMG Guidelines, 2015. Collection method: clinical testing. Allele origin: germline.
Comment: This variant causes a C to G nucleotide substitution at the -3 position of intron 2 of the MYL2 gene. Splice site prediction tools predict that this variant may have a significant impact on RNA splicing. To our knowledge, RNA studies have not been reported for this variant. This variant has not been reported in individuals affected with MYL2-related disorders in the literature. Clinical relevance of loss-of-function MYL2 truncation and splice variants in autosomal dominant cardiovascular disorders is not clearly established. This variant has not been identified in the general population by the Genome Aggregation Database (gnomAD). The available evidence is insufficient to determine the role of this variant in disease conclusively. Therefore, this variant is classified as a Variant of Uncertain Significance.

NM_000432.4(MYL2):c.94-3C>G

Gene: MYL2 (myosin light chain 2; minus strand). Cytogenetic location: 12q24.11.
Variant type: single nucleotide variant.
Coding change: c.94-3C>G on transcript NM_000432.4 (MANE Select); 3 bases into the intron before coding-DNA position 94, C replaced by G.
Molecular consequence: intron variant.
Genome position (GRCh38, 1-based): chr12:110,915,793, G>C on the plus strand (C>G on the coding strand, the complement: MYL2 is on the minus strand). VCF-style: chr12-110915793-G-C. GRCh37 (hg19) VCF-style: chr12-111353597-G-C.
Other names: c.37-3C>G (NM_001406916.1); c.94-1469C>G (NM_001406745.1).
Identifiers: ClinVar variation 3894386 (VCV003894386.1).